The following is an entry in ClinVar:

NM_000057.4(BLM):c.922A>T (p.Ile308Phe)

Gene: BLM (BLM RecQ like helicase; plus strand). Cytogenetic location: 15q26.1.
Variant type: single nucleotide variant.
Coding change: c.922A>T on transcript NM_000057.4 (MANE Select); coding-DNA position 922, A replaced by T.
Protein change: p.Ile308Phe; replaces isoleucine 308 with phenylalanine.
Molecular consequence: missense variant. On other transcripts: 5 prime UTR variant (1).
Genome position (GRCh38, 1-based): chr15:90,751,909, A>T. VCF-style: chr15-90751909-A-T. GRCh37 (hg19) VCF-style: chr15-91295139-A-T.
Other names: c.922A>T, p.Ile308Phe (NM_001287246.2, NM_001287247.2); c.-370A>T (NM_001287248.2); short protein forms I308F.
Identifiers: ClinVar variation 4212081 (VCV004212081.1).
Genomic context (GRCh38, chr15:90,751,909, plus strand): 5'-TGTATTGAATTTGATGATGATGATTATGATACGGATTTTGTTCCACCTTCTCCAGAAGAA[A>T]TTATTTCTGCTTCTTCTTCCTCTTCAAAATGCCTTAGGTAAACTAGCTAAATAATTAGCA-3'
Protein context (NP_000048.1, residues 298-318): TDFVPPSPEE[Ile308Phe]ISASSSSSKC

ClinVar aggregate classification (germline): Uncertain significance (1 of 4 stars; one submission).

Conditions:
Hereditary cancer-predisposing syndrome. Also called: Neoplastic Syndromes, Hereditary; Tumor predisposition; Hereditary Cancer Syndrome; Hereditary neoplastic syndrome. Identifiers: Orphanet 140162, MedGen C0027672, MeSH D009386, MONDO:0015356.

Submission:

Ambry Genetics
Classification: Uncertain significance for Hereditary cancer-predisposing syndrome. Last evaluated: 2025-08-24. Review status: criteria provided, single submitter. Criteria: Ambry Variant Classification Scheme 2023. Collection method: clinical testing. Allele origin: germline.
Comment: The p.I308F variant (also known as c.922A>T), located in coding exon 3 of the BLM gene, results from an A to T substitution at nucleotide position 922. The isoleucine at codon 308 is replaced by phenylalanine, an amino acid with highly similar properties. This amino acid position is conserved. In addition, this alteration is predicted to be tolerated by in silico analysis. Based on the available evidence, the clinical significance of this variant remains unclear.